The following is an entry in ClinVar:

NM_170707.4(LMNA):c.62T>C (p.Leu21Pro)

Genes: LMNA (lamin A/C; plus strand), LOC129931597 (ATAC-STARR-seq lymphoblastoid silent region 1421; plus strand). Cytogenetic location: 1q22.
Variant type: single nucleotide variant.
Coding change: c.62T>C on transcript NM_170707.4 (MANE Select); coding-DNA position 62, T replaced by C.
Protein change: p.Leu21Pro; replaces leucine 21 with proline.
Molecular consequence: missense variant.
Genome position (GRCh38, 1-based): chr1:156,114,980, T>C. VCF-style: chr1-156114980-T-C. GRCh37 (hg19) VCF-style: chr1-156084771-T-C.
Other names: c.62T>C, p.Leu21Pro (NM_001282625.2, NM_001282626.2, NM_005572.4 and 1 more transcripts); short protein forms L21P.
Identifiers: ClinVar variation 870604 (VCV000870604.10), dbSNP rs1649704361, ClinGen allele CA342807160.

ClinVar aggregate classification (germline): Uncertain significance. Review status: criteria provided, multiple submitters, no conflicts (2 of 4 stars). 2 submissions from 2 submitters: Uncertain significance (2). Last evaluated 2022-10-13.

Conditions:
Charcot-Marie-Tooth disease type 2. Also called: Charcot-Marie-Tooth type 2. Identifiers: Orphanet 64746, MedGen C0270914, MONDO:0018993.
Developmental regression. Also called: C1836830. Identifiers: MedGen C1836830, HP:0002376.
Severe muscular hypotonia. Also called: Severe hypotonia. Identifiers: MedGen C1839630, HP:0006829.
Relative macrocephaly. Identifiers: MedGen C1849075, HP:0004482.

Allele frequency attached by ClinVar (database versions not stated): gnomAD exomes below 0.00001.
gnomAD v4.1: 1 of 1,595,274 alleles (0.000063%); highest among the groups gnomAD compares: Non-Finnish European, 0.000085%; no homozygotes.

Submissions (2):

Labcorp Genetics (formerly Invitae), Labcorp
Classification: Uncertain significance for Charcot-Marie-Tooth disease type 2. Last evaluated: 2022-10-13. Review status: criteria provided, single submitter. Criteria: Invitae Variant Classification Sherloc (09022015). Collection method: clinical testing. Allele origin: germline.
Comment: In summary, the available evidence is currently insufficient to determine the role of this variant in disease. Therefore, it has been classified as a Variant of Uncertain Significance. Advanced modeling of protein sequence and biophysical properties (such as structural, functional, and spatial information, amino acid conservation, physicochemical variation, residue mobility, and thermodynamic stability) performed at Invitae indicates that this missense variant is expected to disrupt LMNA protein function. ClinVar contains an entry for this variant (Variation ID: 870604). This variant has not been reported in the literature in individuals affected with LMNA-related conditions. This variant is not present in population databases (gnomAD no frequency). This sequence change replaces leucine, which is neutral and non-polar, with proline, which is neutral and non-polar, at codon 21 of the LMNA protein (p.Leu21Pro).

Diagnostics Services (NGS), CSIR - Centre For Cellular And Molecular Biology
Classification: Uncertain significance for Developmental regression; Severe muscular hypotonia; Relative macrocephaly. Last evaluated: 2020-04-08. Review status: criteria provided, single submitter. Criteria: ACMG Guidelines, 2015. Collection method: clinical testing. Allele origin: unknown. Affected: yes. Observed: 1 homozygote.
Comment: Homozygous or compound heterozygous variations in LMNA gene (MIM*150330) are known to cause various developmental growth retardation related disorders (MIM#605588; 616516; 176670; 248370; 275210). The c.62T>C variant is not present in publicly available databases like 1000 Genomes, EVS, ExAC, gnomAD and dbSNP. The variant is not present in our in-house exome database. The variant was not reported to OMIM, HGMD or ClinVar databases in any affected individuals. Predictions from different in-silico pathogenicity prediction programs like SIFT, PolyPhen-3, MutationTaster2, CADD etc. are contradictory. There are no documented functional studies. Due to lack of enough evidence the variant has been classified as uncertain significance.